The following is an entry in ClinVar:

ClinVar aggregate classification (germline): Pathogenic (1 of 4 stars; one submission).

Submission:

GeneDx
Classification: Pathogenic. Last evaluated: 2014-10-06. Review status: criteria provided, single submitter. Criteria: GeneDx Variant Classification (06012015). Collection method: clinical testing. Allele origin: germline. Affected: yes.
Comment: c.3966_3976delACCTCTAAGAG: p.Arg1322SerfsX6 (R1322SfsX6) in exon 20 of the SCN1A gene (NM_001165963.1). The normal sequence with the bases that are deleted in braces is: TGAG{delACCTCTAAGAG}CCTT. The c.3966_3976delACCTCTAAGAG mutation in the SCN1A gene causes a frameshift starting with codon Arginine 1322, changes this amino acid to a Serine residue and creates a premature Stop codon at position 6 of the new reading frame, denoted p.R1322SfsX6. This mutation is predicted to cause loss of normal protein function either through protein truncation or nonsense-mediated mRNA decay. It was not observed in approximately 6,500 individuals of European and African American ancestry in the NHLBI Exome Sequencing Project, indicating it is not a common benign variant in these populations. Although this mutation has not been previously reported to our knowledge, its presence is consistent with a diagnosis of an SCN1A-related disorder. The variant is found in INFANT-EPI panel(s).

NM_001165963.4(SCN1A):c.3966_3976del (p.Arg1322fs)

Genes: SCN1A (sodium voltage-gated channel alpha subunit 1; minus strand), LOC102724058 (uncharacterized LOC102724058; plus strand). Cytogenetic location: 2q24.3.
Variant type: Deletion.
Coding change: c.3966_3976del on transcript NM_001165963.4 (MANE Select); coding-DNA positions 3966 to 3976, 11 bases deleted (ACCTCTAAGAG).
Protein change: p.Arg1322fs; shifts the reading frame from arginine 1322.
Molecular consequence: frameshift variant. On other transcripts: non-coding transcript variant (1).
Genome position (GRCh38, 1-based): chr2:166,009,745-166,009,755, CTCTTAGAGGT deleted on the plus strand (ACCTCTAAGAG on the coding strand, the reverse complement: SCN1A is on the minus strand); deleting any 11 consecutive bases within chr2:166,009,745-166,009,758 gives the same sequence; the c. name uses the placement nearest the transcript's 3' end. VCF-style (leftmost placement, unchanged base first): chr2-166009744-GCTCTTAGAGGT-G. GRCh37 (hg19) VCF-style: chr2-166866254-GCTCTTAGAGGT-G.
Other names: c.3882_3892del, p.Arg1294fs (NM_001165964.3, NM_001353957.2, NM_001353958.2); c.3966_3976del, p.Arg1322fs (NM_001202435.3, NM_001353948.2); c.3933_3943del, p.Arg1311fs (NM_001353949.2, NM_001353950.2, NM_001353951.2 and 2 more transcripts); c.3930_3940del, p.Arg1310fs (NM_001353954.2, NM_001353955.2); c.3879_3889del, p.Arg1293fs (NM_001353960.2); c.1524_1534del, p.Arg508fs (NM_001353961.2); short protein forms R1311fs, R1310fs, R1293fs, R1294fs, R1322fs, R508fs.
Identifiers: ClinVar variation 206952 (VCV000206952.1), dbSNP rs796053107, ClinGen allele CA317838.